The following is an entry in ClinVar:

NM_000371.4(TTR):c.239C>T (p.Thr80Ile)

Gene: TTR (transthyretin; plus strand). Cytogenetic location: 18q12.1.
Variant type: single nucleotide variant.
Coding change: c.239C>T on transcript NM_000371.4 (MANE Select); coding-DNA position 239, C replaced by T.
Protein change: p.Thr80Ile; replaces threonine 80 with isoleucine.
Molecular consequence: missense variant.
Genome position (GRCh38, 1-based): chr18:31,595,158, C>T. VCF-style: chr18-31595158-C-T. GRCh37 (hg19) VCF-style: chr18-29175121-C-T.
Other names: short protein forms T80I.
Identifiers: ClinVar variation 577420 (VCV000577420.26), dbSNP rs1254341785, ClinGen allele CA402156960.

ClinVar aggregate classification (germline): Pathogenic/Likely pathogenic. Review status: criteria provided, multiple submitters, no conflicts (2 of 4 stars). 8 submissions from 8 submitters: Pathogenic (3); Likely pathogenic (5). Last evaluated 2026-03-20.

Conditions:
TTR-related disorder. Also called: TTR-related disorders; TTR-related condition.
Cardiovascular phenotype. Identifiers: MedGen CN230736.
Amyloidosis, hereditary systemic 1 (AMYLD1). Also called: Familial amyloid polyneuropathy; Transthyretin Amyloidosis; Hereditary oculoleptomeningeal amyloid angiopathy; Familial Transthyretin Amyloidosis; AMYLOID CARDIOMYOPATHY; Hereditary Transthyretin Amyloidosis. Identifiers: Orphanet 85447, Orphanet 85451, MedGen C2751492, MONDO:0971004, OMIM 105210.

Allele frequency attached by ClinVar (database versions not stated): gnomAD exomes 0.00001; TOPMed 0.00001; gnomAD 0.00001.
gnomAD v4.1: 4 of 1,614,012 alleles (0.00025%); highest among the groups gnomAD compares: South Asian, 0.0033%; no homozygotes.

Submissions (8):

Ambry Genetics
Classification: Pathogenic for Cardiovascular phenotype. Last evaluated: 2026-03-20. Review status: criteria provided, single submitter. Criteria: Ambry Variant Classification Scheme 2023. Collection method: clinical testing. Allele origin: germline.
Comment: The p.T80I pathogenic mutation (also known as c.239C>T), located in coding exon 3 of the TTR gene, results from a C to T substitution at nucleotide position 239. The threonine at codon 80 is replaced by isoleucine, an amino acid with similar properties. This variant was reported in individual(s) with features consistent with hereditary transthyretin-related amyloidosis (Chaudhary AG et al. CJC Open, 2022 Dec;4:1031-1035; external communication; Ambry internal data). Other variant(s) at the same codon, p.T80A (c.238A>G), have been identified in individual(s) with features consistent with hereditary transthyretin-related amyloidosis (Wallace MR et al. J. Clin. Invest., 1986 Jul;78:6-12; Zeldenrust SR. Amyloid, 2012 Jun;19 Suppl 1:22-4; Ihse E et al. Amyloid, 2013 Sep;20:142-50; Swiecicki PL et al. Amyloid, 2015 May;22:123-31). This amino acid position is highly conserved in available vertebrate species. In addition, this alteration is predicted to be deleterious by in silico analysis. This variant is considered to be rare based on population cohorts in the Genome Aggregation Database (gnomAD). Based on the supporting evidence, this variant is interpreted as a disease-causing mutation.

Labcorp Genetics (formerly Invitae), Labcorp
Classification: Pathogenic for Amyloidosis, hereditary systemic 1. Last evaluated: 2025-12-22. Review status: criteria provided, single submitter. Criteria: Invitae Variant Classification Sherloc (09022015). Collection method: clinical testing. Allele origin: germline.
Comment: This sequence change replaces threonine, which is neutral and polar, with isoleucine, which is neutral and non-polar, at codon 80 of the TTR protein (p.Thr80Ile). This variant is not present in population databases (gnomAD no frequency). This missense change has been observed in individual(s) with hereditary transthyretin-mediated amyloidosis (hATTR amyloidosis) (internal data). ClinVar contains an entry for this variant (Variation ID: 577420). Invitae Evidence Modeling of protein sequence and biophysical properties (such as structural, functional, and spatial information, amino acid conservation, physicochemical variation, residue mobility, and thermodynamic stability) indicates that this missense variant is expected to disrupt TTR protein function with a positive predictive value of 95%. This variant disrupts the p.Thr80 amino acid residue in TTR. Other variant(s) that disrupt this residue have been determined to be pathogenic (PMID: 3722385, 12050338, 15820680, 21992998, 25997029, 26017327). This suggests that this residue is clinically significant, and that variants that disrupt this residue are likely to be disease-causing. For these reasons, this variant has been classified as Pathogenic.

Women's Health and Genetics/Laboratory Corporation of America, LabCorp
Classification: Pathogenic for Amyloidosis, hereditary systemic 1. Last evaluated: 2025-09-30. Review status: criteria provided, single submitter. Criteria: LabCorp Variant Classification Summary - May 2015. Collection method: clinical testing. Allele origin: germline.
Comment: Variant summary: TTR c.239C>T (p.Thr80Ile) results in a non-conservative amino acid change in the encoded protein sequence. Algorithms developed to predict the effect of missense changes on protein structure and function all suggest that this variant is likely to be disruptive. The variant was absent in 251442 control chromosomes (gnomAD). c.239C>T has been observed in multiple individuals affected with clinical features of Transthyretin Amyloidosis (Patel_2022, Chaudhary_2022). These data indicate that the variant is very likely to be associated with disease. A different variant affecting the same codon has been classified as pathogenic by our lab (c.238A>G, p.Thr80Ala), supporting the critical relevance of codon 80 to TTR protein function. To our knowledge, no experimental evidence demonstrating an impact on protein function has been reported. The following publications have been ascertained in the context of this evaluation (PMID: 36562013, 35933469). ClinVar contains an entry for this variant (Variation ID: 577420). Based on the evidence outlined above, the variant was classified as pathogenic.

Genomic Medicine Center of Excellence, King Faisal Specialist Hospital and Research Centre
Classification: Likely pathogenic for Amyloidosis, hereditary systemic 1. Last evaluated: 2025-01-04. Review status: criteria provided, single submitter. Criteria: ACMG Guidelines, 2015. Collection method: clinical testing. Allele origin: germline.

ARUP Laboratories, Molecular Genetics and Genomics, ARUP Laboratories
Classification: Likely pathogenic. Last evaluated: 2024-06-24. Review status: criteria provided, single submitter. Criteria: ARUP Molecular Germline Variant Investigation Process 2024. Collection method: clinical testing. Allele origin: germline.
Comment: The TTR c.239C>T; p.Thr80Ile variant (rs1254341785, ClinVar Variation ID: 577420), is reported in individuals affected with transthyretin amyloidosis (Chaudhary 2022, external communication). This variant is absent from the Genome Aggregation Database (v2.1.1), indicating it is not a common polymorphism. Computational analyses are uncertain whether this variant is neutral or deleterious (REVEL: 0.672). Additionally, another variant at this codon (c.238A>G; p.Thr80Ala) has been reported in individuals with transthyretin amyloidosis and is considered pathogenic (Wallace 1986, Sattianayagam 2012). Based on available information, the p.Thr80Ile variant is considered to be likely pathogenic. References: Chaudhary AG et al. Genotype-Phenotype Correlation of a Rare Transthyretin Variant Causing Amyloidosis. CJC Open. 2022 Oct 1;4(12):1031-1035. PMID: 36562013. Wallace M et al. Biochemical and molecular genetic characterization of a new variant prealbumin associated with hereditary amyloidosis. J Clin Invest. 1986 Jul; 78(1): 6â€“12. PMID: 3722385. Sattianayagam P et al. Cardiac phenotype and clinical outcome of familial amyloid polyneuropathy associated with transthyretin alanine 60 variant. Eur Heart J. 2012 May;33(9):1120-7. PMID: 21992998.

Blueprint Genetics
Classification: Likely pathogenic for TTR-related disorders. Last evaluated: 2023-09-18. Review status: criteria provided, single submitter. Criteria: ACMG Guidelines, 2015. Collection method: clinical testing. Allele origin: germline. Affected: yes. Observed: 1 variant allele.

Athena Diagnostics
Classification: Likely pathogenic. Last evaluated: 2021-06-09. Review status: criteria provided, single submitter. Criteria: Athena Diagnostics Criteria. Collection method: clinical testing. Allele origin: unknown.
Comment: This variant has not been reported in large, multi-ethnic general populations. This variant has been identified in multiple unrelated individuals with clinical features associated with this gene. At least one other missense variant at this codon is considered to be pathogenic or likely pathogenic, suggesting this variant may also cause disease. Computational tools predict that this variant is damaging.

Neuberg Centre For Genomic Medicine, NCGM
Classification: Likely pathogenic for Amyloidosis, hereditary systemic 1. Review status: criteria provided, single submitter. Criteria: ACMG Guidelines, 2015. Collection method: clinical testing. Allele origin: germline. Inheritance: Autosomal dominant inheritance. Affected: yes.
Comment: The missense c.239C>Tp.Thr80Ile variant in TTR gene has been reported in heterozygous state in individuals affected withtransthyretin amyloidosis Abouelhoda M, et. al., 2021; Chaudhary AG, et. al., 2022. The p.Thr80Ile variant is novel not in anyindividuals in gnomAD Exomes and 1000 Genomes. This variant has been reported to the ClinVar database as Pathogenic/Likelypathogenic multiple submissions. The amino acid change p.Thr80Ile in TTR is predicted as conserved by GERP++ and PhyloPacross 100 vertebrates. The amino acid Thr at position 80 is changed to a Ile changing protein sequence and it might alter itscomposition and physico-chemical properties. For these reasons, this variant has been classified as Likely Pathogenic.

Literature cited by the submitters: PubMed 36562013 (cited by Ambry Genetics and Women's Health and Genetics/Laboratory Corporation of America, LabCorp); PubMed 39219298 (cited by Ambry Genetics); PubMed 39575713 (cited by Ambry Genetics); PubMed 39592278 (cited by Ambry Genetics); PubMed 41095902 (cited by Ambry Genetics); PubMed 3722385 (cited by Labcorp Genetics (formerly Invitae), Labcorp); PubMed 12050338 (cited by Labcorp Genetics (formerly Invitae), Labcorp); PubMed 15820680 (cited by Labcorp Genetics (formerly Invitae), Labcorp); PubMed 21992998 (cited by Labcorp Genetics (formerly Invitae), Labcorp); PubMed 25997029 (cited by Labcorp Genetics (formerly Invitae), Labcorp); PubMed 26017327 (cited by Labcorp Genetics (formerly Invitae), Labcorp); PubMed 35933469 (cited by Women's Health and Genetics/Laboratory Corporation of America, LabCorp).